The following is an entry in ClinVar:

NM_012186.3(FOXE3):c.488G>A (p.Arg163His)

Genes: FOXE3 (forkhead box E3; plus strand), LINC01389 (long independently transcribed non-coding RNA 1389; minus strand). Cytogenetic location: 1p33.
Variant type: single nucleotide variant.
Coding change: c.488G>A on transcript NM_012186.3 (MANE Select); coding-DNA position 488, G replaced by A.
Protein change: p.Arg163His; replaces arginine 163 with histidine.
Molecular consequence: missense variant.
Genome position (GRCh38, 1-based): chr1:47,416,803, G>A. VCF-style: chr1-47416803-G-A. GRCh37 (hg19) VCF-style: chr1-47882475-G-A.
Other names: c.488G>A (NM_012186.2); short protein forms R163H.
Identifiers: ClinVar variation 2150534 (VCV002150534.6), dbSNP rs753594600, ClinGen allele CA842978.
Genomic context (GRCh38, chr1:47,416,803, plus strand): 5'-ACTACTGGACGCTGGACCCCGCGGCCGCAGACATGTTCGACAACGGCAGCTTCCTGCGGC[G>A]CCGCAAGCGCTTCAAGCGCGCCGAGCTGCCCGCGCACGCGGCCGCGGCGCCAGGGCCGCC-3'
Protein context (NP_036318.1, residues 153-173): DMFDNGSFLR[Arg163His]RKRFKRAELP

ClinVar aggregate classification (germline): Uncertain significance. Review status: criteria provided, multiple submitters, no conflicts (2 of 4 stars). 2 submissions from 2 submitters: Uncertain significance (2). Last evaluated 2026-04-01.

Conditions:
Cardiovascular phenotype. Identifiers: MedGen CN230736.
Anterior segment dysgenesis. Also called: Ocular anterior segment dysgenesis. Identifiers: Orphanet 88632, MedGen C1862839, MONDO:0019503, HP:0007700.
Congenital primary aphakia. Also called: Anterior segment dysgenesis 2, multiple subtypes; ANTERIOR SEGMENT DYSGENESIS 2. Identifiers: Orphanet 83461, MedGen C1853230, MONDO:0012456, OMIM 610256.

Allele frequency attached by ClinVar (database versions not stated): gnomAD exomes below 0.00001; ExAC 0.00001; gnomAD 0.00001; TOPMed 0.00001.

Submissions (2):

Ambry Genetics
Classification: Uncertain significance for Cardiovascular phenotype. Last evaluated: 2026-04-01. Review status: criteria provided, single submitter. Criteria: Ambry Variant Classification Scheme 2023. Collection method: clinical testing. Allele origin: germline.
Comment: The c.488G>A (p.R163H) alteration is located in exon 1 (coding exon 1) of the FOXE3 gene. This alteration results from a G to A substitution at nucleotide position 488, causing the arginine (R) at amino acid position 163 to be replaced by a histidine (H). Based on data from gnomAD, the A allele has an overall frequency of 0.001% (3/252214) total alleles studied. The highest observed frequency was 0.012% (2/16134) of East Asian alleles. Based on insufficient or conflicting evidence, the clinical significance of this alteration remains unclear.

Labcorp Genetics (formerly Invitae), Labcorp
Classification: Uncertain significance for Anterior segment dysgenesis; Congenital primary aphakia. Last evaluated: 2025-12-16. Review status: criteria provided, single submitter. Criteria: Invitae Variant Classification Sherloc (09022015). Collection method: clinical testing. Allele origin: germline.
Comment: This sequence change replaces arginine, which is basic and polar, with histidine, which is basic and polar, at codon 163 of the FOXE3 protein (p.Arg163His). The frequency data for this variant in the population databases is considered unreliable, as metrics indicate poor data quality at this position in the gnomAD database. This variant has not been reported in the literature in individuals affected with FOXE3-related conditions. ClinVar contains an entry for this variant (Variation ID: 2150534). Invitae Evidence Modeling of protein sequence and biophysical properties (such as structural, functional, and spatial information, amino acid conservation, physicochemical variation, residue mobility, and thermodynamic stability) indicates that this missense variant is expected to disrupt FOXE3 protein function with a positive predictive value of 80%. In summary, the available evidence is currently insufficient to determine the role of this variant in disease. Therefore, it has been classified as a Variant of Uncertain Significance.